The following is an entry in ClinVar:

ClinVar aggregate classification (germline): Uncertain significance (0 of 4 stars; one submission).

Submission:

Martin Pollak Laboratory,  Beth Israel Deaconess Medical Center
Classification: Uncertain significance. Review status: no assertion criteria provided. Collection method: not provided. Allele origin: unknown.
Comment: Higher UCa2+ group
ClinVar note: Converted during submission from unknown to Uncertain significance.

NM_022911.3(SLC26A6):c.365G>A (p.Gly122Asp)

Gene: SLC26A6 (solute carrier family 26 member 6; minus strand). Cytogenetic location: 3p21.31.
Variant type: single nucleotide variant.
Coding change: c.365G>A on transcript NM_022911.3 (MANE Select); coding-DNA position 365, G replaced by A.
Protein change: p.Gly122Asp; replaces glycine 122 with aspartic acid.
Molecular consequence: missense variant.
Genome position (GRCh38, 1-based): chr3:48,633,042, C>T on the plus strand (G>A on the coding strand, the complement: SLC26A6 is on the minus strand). VCF-style: chr3-48633042-C-T. GRCh37 (hg19) VCF-style: chr3-48670475-C-T.
Other names: c.302G>A, p.Gly101Asp (NM_001040454.1); c.365G>A, p.Gly122Asp (NM_001281732.2, NM_001281733.2, NM_134263.3 and 1 more transcripts); short protein forms G101D, G122D.
Identifiers: ClinVar variation 64456 (VCV000064456.2), dbSNP rs387907497, ClinGen allele CA216181.